The following is an entry in ClinVar:

NM_000038.6(APC):c.645+4A>T

Gene: APC (APC regulator of Wnt signaling pathway; plus strand). Cytogenetic location: 5q22.2.
Variant type: single nucleotide variant.
Coding change: c.645+4A>T on transcript NM_000038.6 (MANE Select); 4 bases into the intron after coding-DNA position 645, A replaced by T.
Molecular consequence: intron variant.
Genome position (GRCh38, 1-based): chr5:112,780,907, A>T. VCF-style: chr5-112780907-A-T. GRCh37 (hg19) VCF-style: chr5-112116604-A-T.
Other names: c.645+4A>T (NM_001354895.2, NM_001127510.3, NM_001354896.2 and 2 more transcripts); c.675+4A>T (NM_001354897.2, NM_001354902.2, NM_001127511.3); c.570+4A>T (NM_001354898.2, NM_001354904.2); c.-391+4A>T (NM_001354906.2); c.468+4A>T (NM_001354900.2, NM_001354901.2, NM_001354905.2).
Identifiers: ClinVar variation 940516 (VCV000940516.15), dbSNP rs1580380551, ClinGen allele CA1139658980.

ClinVar aggregate classification (germline): Uncertain significance. Review status: criteria provided, multiple submitters, no conflicts (2 of 4 stars). 4 submissions from 4 submitters: Uncertain significance (4). Last evaluated 2025-07-31.

Conditions:
Classic or attenuated familial adenomatous polyposis. Identifiers: MedGen CN372698, MONDO:0021057.
Hereditary cancer-predisposing syndrome. Also called: Hereditary neoplastic syndrome; Neoplastic Syndromes, Hereditary; Tumor predisposition; Hereditary Cancer Syndrome. Identifiers: Orphanet 140162, MedGen C0027672, MeSH D009386, MONDO:0015356.
Familial adenomatous polyposis 1 (FAP1). Also called: FAMILIAL ADENOMATOUS POLYPOSIS 1, ATTENUATED; POLYPOSIS, ADENOMATOUS INTESTINAL. Identifiers: MedGen C2713442, MONDO:0021056, OMIM 175100. Disease mechanism: loss of function.

Submissions (4):

Ambry Genetics
Classification: Uncertain significance for Hereditary cancer-predisposing syndrome. Last evaluated: 2025-07-31. Review status: criteria provided, single submitter. Criteria: Ambry Variant Classification Scheme 2023. Collection method: clinical testing. Allele origin: germline.
Comment: The c.645+4A>T intronic variant results from an A to T substitution 4 nucleotides after coding exon 5 in the APC gene. This nucleotide position is well conserved in available vertebrate species. In silico splice site analysis predicts that this alteration will not have any significant effect on splicing; however, direct evidence is insufficient at this time (Ambry internal data). Since supporting evidence is limited at this time, the clinical significance of this alteration remains unclear.

Labcorp Genetics (formerly Invitae), Labcorp
Classification: Uncertain significance for Familial adenomatous polyposis 1. Last evaluated: 2024-04-25. Review status: criteria provided, single submitter. Criteria: Invitae Variant Classification Sherloc (09022015). Collection method: clinical testing. Allele origin: germline.
Comment: This sequence change falls in intron 6 of the APC gene. It does not directly change the encoded amino acid sequence of the APC protein. It affects a nucleotide within the consensus splice site. This variant is not present in population databases (gnomAD no frequency). This variant has not been reported in the literature in individuals affected with APC-related conditions. ClinVar contains an entry for this variant (Variation ID: 940516). Variants that disrupt the consensus splice site are a relatively common cause of aberrant splicing (PMID: 17576681, 9536098). Algorithms developed to predict the effect of sequence changes on RNA splicing suggest that this variant is not likely to affect RNA splicing. In summary, the available evidence is currently insufficient to determine the role of this variant in disease. Therefore, it has been classified as a Variant of Uncertain Significance.

All of Us Research Program, National Institutes of Health
Classification: Uncertain significance for Classic or attenuated familial adenomatous polyposis. Last evaluated: 2023-05-16. Review status: criteria provided, single submitter. Criteria: ACMG Guidelines, 2015. Collection method: clinical testing. Allele origin: germline. Inheritance: Autosomal dominant inheritance. Observed: 1 variant allele, 1 heterozygote.
Comment: This variant causes an A to T nucleotide substitution at the +4 position of intron 6 of the APC gene. To our knowledge, functional studies have not been reported for this variant.To our knowledge, functional studies have not been reported for this variant. This variant has not been reported in individuals affected with APC-related disorders in the literature. This variant has not been identified in the general population by the Genome Aggregation Database (gnomAD). The available evidence is insufficient to determine the role of this variant in disease conclusively. Therefore, this variant is classified as a Variant of Uncertain Significance.

This study involves interpretation of variants in research participants for the purpose of population health screening. Participant phenotype was not available at the time of variant classification. Additional details can be found in publication PMID: 35346344, PMCID: PMC8962531

Color Diagnostics, LLC DBA Color Health
Classification: Uncertain significance for Hereditary cancer-predisposing syndrome. Last evaluated: 2023-04-27. Review status: criteria provided, single submitter. Criteria: ACMG Guidelines, 2015. Collection method: clinical testing. Allele origin: germline.
Comment: This variant causes an A to T nucleotide substitution at the +4 position of intron 6 of the APC gene. To our knowledge, functional studies have not been reported for this variant.To our knowledge, functional studies have not been reported for this variant. This variant has not been reported in individuals affected with APC-related disorders in the literature. This variant has not been identified in the general population by the Genome Aggregation Database (gnomAD). The available evidence is insufficient to determine the role of this variant in disease conclusively. Therefore, this variant is classified as a Variant of Uncertain Significance.

Literature cited by the submitters: PubMed 17576681 (cited by Labcorp Genetics (formerly Invitae), Labcorp); PubMed 9536098 (cited by Labcorp Genetics (formerly Invitae), Labcorp).